The following is an entry in ClinVar:

ClinVar aggregate classification (germline): Uncertain significance (1 of 4 stars; one submission).

Allele frequency attached by ClinVar (database versions not stated): gnomAD exomes below 0.00001; ExAC 0.00001; gnomAD 0.00002; TOPMed 0.00002.
gnomAD v4.1: 9 of 1,578,266 alleles (0.00057%); highest among the groups gnomAD compares: Non-Finnish European, 0.00078%; no homozygotes.

Submission:

Labcorp Genetics (formerly Invitae), Labcorp
Classification: Uncertain significance. Last evaluated: 2021-11-05. Review status: criteria provided, single submitter. Criteria: Invitae Variant Classification Sherloc (09022015). Collection method: clinical testing. Allele origin: germline.
Comment: The frequency data for this variant in the population databases is considered unreliable, as metrics indicate poor data quality at this position in the gnomAD database. In summary, the available evidence is currently insufficient to determine the role of this variant in disease. Therefore, it has been classified as a Variant of Uncertain Significance. Algorithms developed to predict the effect of missense changes on protein structure and function output the following: SIFT: "Tolerated"; PolyPhen-2: "Benign"; Align-GVGD: "Class C0". The lysine amino acid residue is found in multiple mammalian species, which suggests that this missense change does not adversely affect protein function. This variant has not been reported in the literature in individuals affected with ADCY10-related conditions. This sequence change replaces glutamic acid, which is acidic and polar, with lysine, which is basic and polar, at codon 1028 of the ADCY10 protein (p.Glu1028Lys).

NM_018417.6(ADCY10):c.3082G>A (p.Glu1028Lys)

Gene: ADCY10 (adenylate cyclase 10; minus strand). Cytogenetic location: 1q24.2.
Variant type: single nucleotide variant.
Coding change: c.3082G>A on transcript NM_018417.6 (MANE Select); coding-DNA position 3082, G replaced by A.
Protein change: p.Glu1028Lys; replaces glutamic acid 1028 with lysine.
Molecular consequence: missense variant.
Genome position (GRCh38, 1-based): chr1:167,836,536, C>T on the plus strand (G>A on the coding strand, the complement: ADCY10 is on the minus strand). VCF-style: chr1-167836536-C-T. GRCh37 (hg19) VCF-style: chr1-167805774-C-T.
Other names: c.2623G>A, p.Glu875Lys (NM_001167749.3); c.2806G>A, p.Glu936Lys (NM_001297772.2); short protein forms E1028K, E875K, E936K.
Identifiers: ClinVar variation 1484844 (VCV001484844.6), dbSNP rs745937549, ClinGen allele CA1227443.